The following is an entry in ClinVar:

NM_000383.4(AIRE):c.816G>T (p.Arg272Ser)

Gene: AIRE (autoimmune regulator; plus strand). Cytogenetic location: 21q22.3.
Variant type: single nucleotide variant.
Coding change: c.816G>T on transcript NM_000383.4 (MANE Select); coding-DNA position 816, G replaced by T.
Protein change: p.Arg272Ser; replaces arginine 272 with serine.
Molecular consequence: missense variant.
Genome position (GRCh38, 1-based): chr21:44,290,005, G>T. VCF-style: chr21-44290005-G-T. GRCh37 (hg19) VCF-style: chr21-45709888-G-T.
Other names: short protein forms R272S.
Identifiers: ClinVar variation 577522 (VCV000577522.8), dbSNP rs1568927979, ClinGen allele CA410424645.
Genomic context (GRCh38, chr21:44,290,005, plus strand): 5'-CTGCTGAGGCTGCCCCCATTGCTGACGCCCCTCTTCCTTGCAGGGTGGAGGTGAGGCTAG[G>T]CTGGGCCAGCAGGGCAGCGTTCCCGCCCCTCTGGCCCTCCCCAGTGACCCCCAGCTCCAC-3'
Protein context (NP_000374.1, residues 262-282): QGAAPGGGEA[Arg272Ser]LGQQGSVPAP

ClinVar aggregate classification (germline): Uncertain significance (1 of 4 stars; one submission).

Conditions:
Polyglandular autoimmune syndrome, type 1 (APS1). Also called: Autoimmune polyendocrinopathy syndrome, type I; Autoimmune polyendocrinopathy syndrome , type I, with or without reversible metaphyseal dysplasia; AUTOIMMUNE POLYENDOCRINE SYNDROME, TYPE I, WITH OR WITHOUT REVERSIBLE METAPHYSEAL DYSPLASIA; APS I; PGA I; Autoimmune polyendocrine syndrome type 1. Identifiers: Orphanet 3453, MedGen C0085859, MONDO:0009411, OMIM 240300.

Submission:

Labcorp Genetics (formerly Invitae), Labcorp
Classification: Uncertain significance for Polyglandular autoimmune syndrome, type 1. Last evaluated: 2018-02-14. Review status: criteria provided, single submitter. Criteria: Invitae Variant Classification Sherloc (09022015). Collection method: clinical testing. Allele origin: germline.
Comment: In summary, the available evidence is currently insufficient to determine the role of this variant in disease. Therefore, it has been classified as a Variant of Uncertain Significance. Algorithms developed to predict the effect of missense changes on protein structure and function do not agree on the potential impact of this missense change (SIFT: "Deleterious"; PolyPhen-2: "Possibly Damaging"; Align-GVGD: "Class C15"). This variant has not been reported in the literature in individuals with AIRE-related disease. This variant is not present in population databases (ExAC no frequency). This sequence change replaces arginine with serine at codon 272 of the AIRE protein (p.Arg272Ser). The arginine residue is moderately conserved and there is a moderate physicochemical difference between arginine and serine.